The following is an entry in ClinVar:

ClinVar aggregate classification (germline): Likely pathogenic (1 of 4 stars; one submission).

Conditions:
HYPERHOMOCYSTEINEMIA, THROMBOTIC, CBS-RELATED. Identifiers: MedGen C3150344, OMIM 236200.

Submission:

Labcorp Genetics (formerly Invitae), Labcorp
Classification: Likely pathogenic for HYPERHOMOCYSTEINEMIA, THROMBOTIC, CBS-RELATED. Last evaluated: 2024-01-24. Review status: criteria provided, single submitter. Criteria: Invitae Variant Classification Sherloc (09022015). Collection method: clinical testing. Allele origin: germline.
Comment: This sequence change replaces proline, which is neutral and non-polar, with arginine, which is basic and polar, at codon 88 of the CBS protein (p.Pro88Arg). This variant is not present in population databases (gnomAD no frequency). This variant has not been reported in the literature in individuals affected with CBS-related conditions. Advanced modeling of protein sequence and biophysical properties (such as structural, functional, and spatial information, amino acid conservation, physicochemical variation, residue mobility, and thermodynamic stability) performed at Invitae indicates that this missense variant is expected to disrupt CBS protein function with a positive predictive value of 95%. This variant disrupts the p.Pro88 amino acid residue in CBS. Other variant(s) that disrupt this residue have been determined to be pathogenic (PMID: 7762555, 22267502). This suggests that this residue is clinically significant, and that variants that disrupt this residue are likely to be disease-causing. In summary, the currently available evidence indicates that the variant is pathogenic, but additional data are needed to prove that conclusively. Therefore, this variant has been classified as Likely Pathogenic.

Literature cited by the submitters: PubMed 7762555; PubMed 22267502.

NM_000071.3(CBS):c.263C>G (p.Pro88Arg)

Gene: CBS (cystathionine beta-synthase; minus strand). Cytogenetic location: 21q22.3.
Variant type: single nucleotide variant.
Coding change: c.263C>G on transcript NM_000071.3 (MANE Select); coding-DNA position 263, C replaced by G.
Protein change: p.Pro88Arg; replaces proline 88 with arginine.
Molecular consequence: missense variant.
Genome position (GRCh38, 1-based): chr21:43,068,562, G>C on the plus strand (C>G on the coding strand, the complement: CBS is on the minus strand). VCF-style: chr21-43068562-G-C. GRCh37 (hg19) VCF-style: chr21-44488672-G-C.
Other names: c.263C>G, p.Pro88Arg (NM_001178008.3, NM_001178009.3, NM_001320298.2); short protein forms P88R.
Identifiers: ClinVar variation 2711040 (VCV002711040.3), dbSNP rs2517469721, ClinGen allele CA410602095.
Genomic context (GRCh38, chr21:43,068,562, plus strand): 5'-CACTCACAGAGCTCACACTTCAGGCCGAACTTCTTCCCAATCTTGTTGATTCTGACCATA[G>C]GGGTGTCCCCGATTTTCTTCAGAATATCTGGCAAGATTTTTGGAGATTTTGCCCTGAAAC-3'
Protein context (NP_000062.1, residues 78-98): PDILKKIGDT[Pro88Arg]MVRINKIGKK